The following is an entry in ClinVar:

NM_052867.4(NALCN):c.2006G>A (p.Arg669His)

Gene: NALCN (sodium leak channel, non-selective; minus strand). Cytogenetic location: 13q33.1.
Variant type: single nucleotide variant.
Coding change: c.2006G>A on transcript NM_052867.4 (MANE Select); coding-DNA position 2006, G replaced by A.
Protein change: p.Arg669His; replaces arginine 669 with histidine.
Molecular consequence: missense variant.
Genome position (GRCh38, 1-based): chr13:101,143,192, C>T on the plus strand (G>A on the coding strand, the complement: NALCN is on the minus strand). VCF-style: chr13-101143192-C-T. GRCh37 (hg19) VCF-style: chr13-101795543-C-T.
Other names: c.2006G>A, p.Arg669His (NM_001350748.2, NM_001350749.2); c.1919G>A, p.Arg640His (NM_001350750.2, NM_001350751.2); short protein forms R640H, R669H.
Identifiers: ClinVar variation 2736387 (VCV002736387.4), dbSNP rs1270231284, ClinGen allele CA388671539.

ClinVar aggregate classification (germline): Uncertain significance. Review status: criteria provided, multiple submitters, no conflicts (2 of 4 stars). 2 submissions from 2 submitters: Uncertain significance (2). Last evaluated 2023-12-30.

Conditions:
Hypotonia, infantile, with psychomotor retardation and characteristic facies 1 (INNFD). Identifiers: Orphanet 371364, Orphanet 700336, MedGen C3809454, MONDO:0024567, OMIM 615419.
Congenital contractures of the limbs and face, hypotonia, and developmental delay (CLIFAHDD). Identifiers: Orphanet 562528, MedGen C4225398, MONDO:0014556, OMIM 616266.

Allele frequency attached by ClinVar (database versions not stated): gnomAD exomes below 0.00001; TOPMed 0.00001.
gnomAD v4.1: 6 of 1,612,112 alleles (0.00037%); highest among the groups gnomAD compares: Admixed American, 0.0017%; no homozygotes.

Submissions (2):

Labcorp Genetics (formerly Invitae), Labcorp
Classification: Uncertain significance. Last evaluated: 2023-12-30. Review status: criteria provided, single submitter. Criteria: Invitae Variant Classification Sherloc (09022015). Collection method: clinical testing. Allele origin: germline.
Comment: This sequence change replaces arginine, which is basic and polar, with histidine, which is basic and polar, at codon 669 of the NALCN protein (p.Arg669His). This variant is present in population databases (no rsID available, gnomAD 0.003%). This variant has not been reported in the literature in individuals affected with NALCN-related conditions. Advanced modeling of protein sequence and biophysical properties (such as structural, functional, and spatial information, amino acid conservation, physicochemical variation, residue mobility, and thermodynamic stability) performed at Invitae indicates that this missense variant is not expected to disrupt NALCN protein function with a negative predictive value of 80%. In summary, the available evidence is currently insufficient to determine the role of this variant in disease. Therefore, it has been classified as a Variant of Uncertain Significance.

Department of Pathology and Laboratory Medicine, Sinai Health System
Classification: Uncertain significance for Hypotonia, infantile, with psychomotor retardation and characteristic facies 1; Congenital contractures of the limbs and face, hypotonia, and developmental delay. Last evaluated: 2020-05-31. Review status: criteria provided, single submitter. Criteria: ACMG Guidelines, 2015. Collection method: research. Allele origin: germline.